The following is an entry in ClinVar:

NM_001723.7(DST):c.4362A>T (p.Glu1454Asp)

Gene: DST (dystonin; minus strand). Cytogenetic location: 6p12.1.
Variant type: single nucleotide variant.
Coding change: c.4362A>T on transcript NM_001723.7 (MANE Plus Clinical); coding-DNA position 4362, A replaced by T.
Protein change: p.Glu1454Asp; replaces glutamic acid 1454 with aspartic acid.
Molecular consequence: missense variant. On other transcripts: intron variant (10).
Genome position (GRCh38, 1-based): chr6:56,619,672, T>A on the plus strand (A>T on the coding strand, the complement: DST is on the minus strand). VCF-style: chr6-56619672-T-A. GRCh37 (hg19) VCF-style: chr6-56484470-T-A.
Other names: c.4830+4858A>T (NM_001144769.5); c.4929+4858A>T (NM_001374722.1, NM_001374736.1); c.4956+4858A>T (NM_001374734.1); c.4416+4858A>T (NM_001144770.2); c.4296+4858A>T (NM_001374730.1, NM_001386100.1, NM_183380.4 and 1 more transcripts); c.3318+4858A>T (NM_015548.5); short protein forms E1454D.
Identifiers: ClinVar variation 642257 (VCV000642257.9), dbSNP rs753880334, ClinGen allele CA3870544.
Genomic context (GRCh38, chr6:56,619,672, plus strand): 5'-TTCTAATTCTAACTGATAATTGCGCTTTATTTTCTTGAGATCACTAGCTTCTTGCATGGC[T>A]TCTTCAGCTTTACCTGTGGTTTGATTCAATTGCCTACCAAGCTCTCTGAGTTGTTGAGAA-3'
Protein context (NP_001714.1, residues 1444-1464): QLNQTTGKAE[Glu1454Asp]AMQEASDLKK

ClinVar aggregate classification (germline): Uncertain significance (1 of 4 stars; one submission).

Conditions:
Hereditary sensory and autonomic neuropathy type 6. Also called: HSAN VI; Neuropathy, hereditary sensory and autonomic, type VI. Identifiers: Orphanet 314381, MedGen C3539003, MONDO:0013839, OMIM 614653.
Epidermolysis bullosa simplex 3, localized or generalized intermediate, with BP230 deficiency (EBS3). Also called: Epidermolysis bullosa simplex, autosomal recessive 2; Epidermolysis bullosa simplex due to BP230 deficiency. Identifiers: Orphanet 412181, MedGen C3809470, MONDO:0014180, OMIM 615425.

Allele frequency attached by ClinVar (database versions not stated): gnomAD exomes 0.00001; ExAC 0.00002.
gnomAD v4.1: 5 of 1,613,938 alleles (0.00031%); highest among the groups gnomAD compares: South Asian, 0.0055%; no homozygotes.

Submission:

Labcorp Genetics (formerly Invitae), Labcorp
Classification: Uncertain significance for Epidermolysis bullosa simplex 3, localized or generalized intermediate, with BP230 deficiency; Hereditary sensory and autonomic neuropathy type 6. Last evaluated: 2018-09-18. Review status: criteria provided, single submitter. Criteria: Invitae Variant Classification Sherloc (09022015). Collection method: clinical testing. Allele origin: germline.
Comment: This variant is present in population databases (rs753880334, ExAC 0.01%). This sequence change replaces glutamic acid with aspartic acid at codon 1454 of the DST protein (p.Glu1454Asp). The glutamic acid residue is weakly conserved and there is a small physicochemical difference between glutamic acid and aspartic acid. This variant has not been reported in the literature in individuals with DST-related disease. In summary, the available evidence is currently insufficient to determine the role of this variant in disease. Therefore, it has been classified as a Variant of Uncertain Significance. Algorithms developed to predict the effect of missense changes on protein structure and function (SIFT, PolyPhen-2, Align-GVGD) all suggest that this variant is likely to be tolerated, but these predictions have not been confirmed by published functional studies and their clinical significance is uncertain.